The following is an entry in ClinVar:

ClinVar aggregate classification (germline): Uncertain significance (1 of 4 stars; one submission).

Submission:

GeneDx
Classification: Uncertain significance. Last evaluated: 2024-07-24. Review status: criteria provided, single submitter. Criteria: GeneDx Variant Classification Process June 2021. Collection method: clinical testing. Allele origin: germline. Affected: yes.
Comment: Not observed at significant frequency in large population cohorts (gnomAD); Missense variant in a gene in which most reported pathogenic variants are truncating/loss of function; Has not been previously published as pathogenic or benign to our knowledge

NM_001267550.2(TTN):c.10091T>C (p.Phe3364Ser)

Gene: TTN (titin; minus strand). Cytogenetic location: 2q31.2.
Variant type: single nucleotide variant.
Coding change: c.10091T>C on transcript NM_001267550.2 (MANE Select); coding-DNA position 10091, T replaced by C.
Protein change: p.Phe3364Ser; replaces phenylalanine 3364 with serine.
Molecular consequence: missense variant.
Genome position (GRCh38, 1-based): chr2:178,764,200, A>G on the plus strand (T>C on the coding strand, the complement: TTN is on the minus strand). VCF-style: chr2-178764200-A-G. GRCh37 (hg19) VCF-style: chr2-179628927-A-G.
Other names: c.10091T>C, p.Phe3364Ser (NM_001256850.1, NM_133378.4, NM_133379.5); c.9953T>C, p.Phe3318Ser (NM_003319.4, NM_133432.3, NM_133437.4); short protein forms F3318S, F3364S.
Identifiers: ClinVar variation 3600832 (VCV003600832.1).